The following is an entry in ClinVar:

NM_006904.7(PRKDC):c.3316A>T (p.Ile1106Leu)

Gene: PRKDC (protein kinase, DNA-activated, catalytic subunit; minus strand). Cytogenetic location: 8q11.21.
Variant type: single nucleotide variant.
Coding change: c.3316A>T on transcript NM_006904.7 (MANE Select); coding-DNA position 3316, A replaced by T.
Protein change: p.Ile1106Leu; replaces isoleucine 1106 with leucine.
Molecular consequence: missense variant.
Genome position (GRCh38, 1-based): chr8:47,900,421, T>A on the plus strand (A>T on the coding strand, the complement: PRKDC is on the minus strand). VCF-style: chr8-47900421-T-A. GRCh37 (hg19) VCF-style: chr8-48812981-T-A.
Other names: c.3316A>T, p.Ile1106Leu (NM_001081640.2); short protein forms I1106L.
Identifiers: ClinVar variation 1730134 (VCV001730134.2), dbSNP rs187301050, ClinGen allele CA371155680.

ClinVar aggregate classification (germline): Uncertain significance (1 of 4 stars; one submission).

Allele frequency attached by ClinVar (database versions not stated): gnomAD exomes below 0.00001.
gnomAD v4.1: 1 of 1,611,956 alleles (0.000062%); highest among the groups gnomAD compares: Non-Finnish European, 0.000085%; no homozygotes.

Submission:

Ambry Genetics
Classification: Uncertain significance. Last evaluated: 2022-05-26. Review status: criteria provided, single submitter. Criteria: Ambry Variant Classification Scheme 2023. Collection method: clinical testing. Allele origin: germline.
Comment: The p.I1106L variant (also known as c.3316A>T), located in coding exon 28 of the PRKDC gene, results from an A to T substitution at nucleotide position 3316. The isoleucine at codon 1106 is replaced by leucine, an amino acid with highly similar properties. This amino acid position is conserved. In addition, this alteration is predicted to be tolerated by in silico analysis. Since supporting evidence is limited at this time, the clinical significance of this alteration remains unclear.